The following is an entry in ClinVar:

NM_001127222.2(CACNA1A):c.4239G>A (p.Glu1413=)

Genes: CACNA1A (calcium voltage-gated channel subunit alpha1 A; minus strand), LOC126862864 (MED14-independent group 3 enhancer GRCh37_chr19:13371552-13372751; plus strand). Cytogenetic location: 19p13.13.
Variant type: single nucleotide variant.
Coding change: c.4239G>A on transcript NM_001127222.2 (MANE Select); coding-DNA position 4239, G replaced by A.
Protein change: p.Glu1413=; no amino-acid change (glutamic acid 1413 retained).
Molecular consequence: synonymous variant.
Genome position (GRCh38, 1-based): chr19:13,261,461, C>T on the plus strand (G>A on the coding strand, the complement: CACNA1A is on the minus strand). VCF-style: chr19-13261461-C-T. GRCh37 (hg19) VCF-style: chr19-13372275-C-T.
Other names: c.4251G>A, p.Glu1417= (NM_000068.4, NM_023035.3); c.4242G>A, p.Glu1414= (NM_001127221.2, NM_001174080.2).
Identifiers: ClinVar variation 3345957 (VCV003345957.1).

ClinVar aggregate classification (germline): Likely benign (0 of 4 stars; one submission).

Conditions:
CACNA1A-related disorder. Also called: CACNA1A-related condition.

Submission:

PreventionGenetics, part of Exact Sciences
Classification: Likely benign for CACNA1A-related condition. Last evaluated: 2024-06-27. Review status: no assertion criteria provided. Collection method: clinical testing. Allele origin: germline.
Comment: This variant is classified as likely benign based on ACMG/AMP sequence variant interpretation guidelines (Richards et al. 2015 PMID: 25741868, with internal and published modifications).